The following is an entry in ClinVar:

ClinVar aggregate classification (germline): Conflicting classifications of pathogenicity. Review status: criteria provided, conflicting classifications (1 of 4 stars). 3 submissions from 3 submitters: Pathogenic (1); Uncertain significance (1). 1 of the submissions does not count toward it. Last evaluated 2025-03-27.

Conditions:
Intellectual developmental disorder, autosomal recessive 82. Identifiers: MedGen C5935601, MONDO:0968944, OMIM 620779.

Submissions (3):

First Genomix Gene Laboratory, Genetic Diagnostics Department
Classification: Pathogenic for Intellectual developmental disorder, autosomal recessive 82. Last evaluated: 2025-03-27. Review status: criteria provided, single submitter. Criteria: ACMG Guidelines, 2015. Collection method: clinical testing. Allele origin: germline. Inheritance: Autosomal recessive inheritance. Affected: no. Observed: 1 variant allele.

CeGaT Center for Human Genetics Tuebingen
Classification: Uncertain significance. Last evaluated: 2019-01-01. Review status: criteria provided, single submitter. Criteria: CeGaT Center For Human Genetics Tuebingen Variant Classification Criteria Version 2. Collection method: clinical testing. Allele origin: germline. Affected: yes. Observed: 1 variant allele.

OMIM
Classification: Pathogenic for INTELLECTUAL DEVELOPMENTAL DISORDER, AUTOSOMAL RECESSIVE 82. Last evaluated: 2024-04-10. Review status: no assertion criteria provided. Collection method: literature only. Allele origin: germline. Not counted in ClinVar's aggregate classification.

Literature cited by the submitters: PubMed 37226891 (cited by OMIM).

NM_182543.5(NSUN6):c.25_26del (p.Leu9fs)

Gene: NSUN6 (NOP2/Sun RNA methyltransferase 6; minus strand). Cytogenetic location: 10p12.31.
Variant type: Deletion.
Coding change: c.25_26del on transcript NM_182543.5 (MANE Select); coding-DNA positions 25 to 26, 2 bases deleted (TT; older notation c.25_26delTT).
Protein change: p.Leu9fs; shifts the reading frame from leucine 9.
Molecular consequence: frameshift variant. On other transcripts: 5 prime UTR variant (1), intron variant (1).
Genome position (GRCh38, 1-based): chr10:18,651,178-18,651,179, AA deleted on the plus strand (TT on the coding strand, the reverse complement: NSUN6 is on the minus strand); deleting any 2 consecutive bases within chr10:18,651,178-18,651,180 gives the same sequence; the c. name uses the placement nearest the transcript's 3' end. VCF-style (leftmost placement, unchanged base first): chr10-18651177-CAA-C. GRCh37 (hg19) VCF-style: chr10-18940106-CAA-C.
Other names: c.25_26delTT (NM_182543.5); c.25_26del, p.Leu9fs (NM_001351115.2, NM_001351117.2); c.-163_-162del (NM_001351118.2); c.40-2534_40-2533del (NM_001351116.2); short protein forms L9fs.
Identifiers: ClinVar variation 806450 (VCV000806450.43), dbSNP rs781644645, ClinGen allele CA5430808.